The following is an entry in ClinVar:

NM_152703.5(SAMD9L):c.3986G>A (p.Arg1329Lys)

Gene: SAMD9L (sterile alpha motif domain containing 9 like; minus strand). Cytogenetic location: 7q21.2.
Variant type: single nucleotide variant.
Coding change: c.3986G>A on transcript NM_152703.5 (MANE Select); coding-DNA position 3986, G replaced by A.
Protein change: p.Arg1329Lys; replaces arginine 1329 with lysine.
Molecular consequence: missense variant.
Genome position (GRCh38, 1-based): chr7:93,131,986, C>T on the plus strand (G>A on the coding strand, the complement: SAMD9L is on the minus strand). VCF-style: chr7-93131986-C-T. GRCh37 (hg19) VCF-style: chr7-92761299-C-T.
Other names: c.3986G>A, p.Arg1329Lys (NM_001303496.3, NM_001303497.3, NM_001303498.3 and 5 more transcripts); short protein forms R1329K.
Identifiers: ClinVar variation 3437132 (VCV003437132.1).

ClinVar aggregate classification (germline): Uncertain significance (1 of 4 stars; one submission).

Conditions:
Inborn genetic diseases. Identifiers: MedGen C0950123, MeSH D030342.

Submission:

Ambry Genetics
Classification: Uncertain significance for Inborn genetic diseases. Last evaluated: 2024-10-04. Review status: criteria provided, single submitter. Criteria: Ambry Variant Classification Scheme 2023. Collection method: clinical testing. Allele origin: germline.
Comment: The p.R1329K variant (also known as c.3986G>A), located in coding exon 1 of the SAMD9L gene, results from a G to A substitution at nucleotide position 3986. The arginine at codon 1329 is replaced by lysine, an amino acid with highly similar properties. This amino acid position is conserved. In addition, the in silico prediction for this alteration is inconclusive. Based on the available evidence, the clinical significance of this variant remains unclear.